The following is an entry in ClinVar:

ClinVar aggregate classification (germline): Benign/Likely benign. Review status: criteria provided, multiple submitters, no conflicts (2 of 4 stars). 3 submissions from 3 submitters: Benign (1); Likely benign (2). Last evaluated 2025-09-10.

Allele frequency attached by ClinVar (database versions not stated): gnomAD exomes 0.00009; ExAC 0.00011.
gnomAD v4.1: 105 of 1,613,988 alleles (0.0065%); highest among the groups gnomAD compares: South Asian, 0.11%; 3 homozygotes.

Submissions (3):

Labcorp Genetics (formerly Invitae), Labcorp
Classification: Benign. Last evaluated: 2025-09-10. Review status: criteria provided, single submitter. Criteria: Invitae Variant Classification Sherloc (09022015). Collection method: clinical testing. Allele origin: germline.

Blueprint Genetics
Classification: Likely benign. Last evaluated: 2023-06-15. Review status: criteria provided, single submitter. Criteria: ACMG Guidelines, 2015. Collection method: clinical testing. Allele origin: germline.

GeneDx
Classification: Likely benign. Last evaluated: 2017-06-29. Review status: criteria provided, single submitter. Criteria: GeneDx Variant Classification (06012015). Collection method: clinical testing. Allele origin: germline. Affected: yes.
Comment: This variant is considered likely benign or benign based on one or more of the following criteria: it is a conservative change, it occurs at a poorly conserved position in the protein, it is predicted to be benign by multiple in silico algorithms, and/or has population frequency not consistent with disease.

NM_001384732.1(CPLANE1):c.8292G>A (p.Gln2764=)

Gene: CPLANE1 (ciliogenesis and planar polarity effector complex subunit 1; minus strand). Cytogenetic location: 5p13.2.
Variant type: single nucleotide variant.
Coding change: c.8292G>A on transcript NM_001384732.1 (MANE Select); coding-DNA position 8292, G replaced by A.
Protein change: p.Gln2764=; no amino-acid change (glutamine 2764 retained).
Molecular consequence: synonymous variant.
Genome position (GRCh38, 1-based): chr5:37,153,821, C>T on the plus strand (G>A on the coding strand, the complement: CPLANE1 is on the minus strand). VCF-style: chr5-37153821-C-T. GRCh37 (hg19) VCF-style: chr5-37153923-C-T.
Other names: c.8130G>A, p.Gln2710= (NM_023073.4).
Identifiers: ClinVar variation 518196 (VCV000518196.6), dbSNP rs766837329, ClinGen allele CA3237831.
Genomic context (GRCh38, chr5:37,153,821, plus strand): 5'-CATTTCAGGCTTGGGGAAATCCTGTTCTATGTTTTCAGCAATGTTCTGTATTGCTAGCAA[C>T]TGCTCGTCAATTTTCTGAAGCTTAGCACTGAGATGCTCTAGTTGGTGAGCTGCAGAGCTT-3'
Protein context (NP_001371661.1, residues 2754-2774): LSAKLQKIDE[Gln2764=]LLAIQNIAEN